The following is an entry in ClinVar:

ClinVar aggregate classification (germline): Pathogenic/Likely pathogenic. Review status: criteria provided, multiple submitters, no conflicts (2 of 4 stars). 3 submissions from 3 submitters: Pathogenic (1); Likely pathogenic (2). Last evaluated 2025-03-25.

Conditions:
Cardiovascular phenotype. Identifiers: MedGen CN230736.
Myofibrillar myopathy 5. Also called: FILAMINOPATHY, AUTOSOMAL DOMINANT; Filaminopathy (type). Identifiers: Orphanet 171445, MedGen C1836050, MONDO:0012289, OMIM 609524.
Distal myopathy with posterior leg and anterior hand involvement. Also called: WILLIAMS DISTAL MYOPATHY. Identifiers: Orphanet 63273, MedGen C3279722, MONDO:0013550, OMIM 614065.
Hypertrophic cardiomyopathy 26. Also called: Cardiomyopathy, familial hypertrophic, 26. Identifiers: Orphanet 75249, MedGen C4310749, MONDO:0014883, OMIM 617047.

Submissions (3):

Labcorp Genetics (formerly Invitae), Labcorp
Classification: Likely pathogenic for Distal myopathy with posterior leg and anterior hand involvement; Myofibrillar myopathy 5; Hypertrophic cardiomyopathy 26. Last evaluated: 2025-03-25. Review status: criteria provided, single submitter. Criteria: Invitae Variant Classification Sherloc (09022015). Collection method: clinical testing. Allele origin: germline.
Comment: This sequence change affects a donor splice site in intron 16 of the FLNC gene. It is expected to disrupt RNA splicing. Variants that disrupt the donor or acceptor splice site typically lead to a loss of protein function (PMID: 16199547), and loss-of-function variants in FLNC are known to be pathogenic (PMID: 27908349). This variant is not present in population databases (gnomAD no frequency). This variant has not been reported in the literature in individuals affected with FLNC-related conditions. ClinVar contains an entry for this variant (Variation ID: 641368). Algorithms developed to predict the effect of sequence changes on RNA splicing suggest that this variant may disrupt the consensus splice site. In summary, the currently available evidence indicates that the variant is pathogenic, but additional data are needed to prove that conclusively. Therefore, this variant has been classified as Likely Pathogenic.

Institute of Human Genetics Munich, TUM University Hospital
Classification: Pathogenic for Hypertrophic cardiomyopathy 26. Last evaluated: 2023-12-28. Review status: criteria provided, single submitter. Criteria: Classification criteria August 2017. Collection method: clinical testing. Allele origin: germline. Inheritance: Autosomal dominant inheritance. Affected: yes. Observed: 1 variant allele.

Ambry Genetics
Classification: Likely pathogenic for Cardiovascular phenotype. Last evaluated: 2020-05-13. Review status: criteria provided, single submitter. Criteria: Ambry Variant Classification Scheme 2023. Collection method: clinical testing. Allele origin: germline.
Comment: The c.2550+2T>C intronic variant results from a T to C substitution two nucleotides after coding exon 16 in the FLNC gene. This nucleotide position is highly conserved in available vertebrate species. Using the BDGP and ESEfinder splice site prediction tools, this alteration is predicted to abolish the native splice donor site; however, direct evidence is unavailable. Alterations that disrupt the canonical splice site are expected to cause aberrant splicing, resulting in an abnormal protein or a transcript that is subject to nonsense-mediated mRNA decay. As such, this alteration is classified as likely pathogenic.

Literature cited by the submitters: PubMed 16199547 (cited by Labcorp Genetics (formerly Invitae), Labcorp); PubMed 27908349 (cited by Labcorp Genetics (formerly Invitae), Labcorp).

NM_001458.5(FLNC):c.2550+2T>C

Gene: FLNC (filamin C; plus strand). Cytogenetic location: 7q32.1.
Variant type: single nucleotide variant.
Coding change: c.2550+2T>C on transcript NM_001458.5 (MANE Select); the canonical splice donor site of the intron after coding-DNA position 2550, T replaced by C.
Molecular consequence: splice donor variant.
Genome position (GRCh38, 1-based): chr7:128,842,956, T>C. VCF-style: chr7-128842956-T-C. GRCh37 (hg19) VCF-style: chr7-128483010-T-C.
Other names: c.2550+2T>C (NM_001127487.2).
Identifiers: ClinVar variation 641368 (VCV000641368.16), dbSNP rs113972676, ClinGen allele CA369192105.